The following is an entry in ClinVar:

NM_018646.6(TRPV6):c.697_698insGTAAGCTG (p.Asp233fs)

Gene: TRPV6 (transient receptor potential cation channel subfamily V member 6; minus strand). Cytogenetic location: 7q34.
Variant type: Insertion.
Coding change: c.697_698insGTAAGCTG on transcript NM_018646.6 (MANE Select); coding-DNA positions 697 to 698, GTAAGCTG inserted.
Protein change: p.Asp233fs; shifts the reading frame from aspartic acid 233.
Molecular consequence: frameshift variant.
Genome position: GRCh38 VCF-style: chr7-142876747-T-TCAGCTTAC. GRCh37 (hg19) VCF-style: chr7-142574500-T-TCAGCTTAC.
Other names: short protein forms D233fs.
Identifiers: ClinVar variation 3684592 (VCV003684592.2).
Genomic context (GRCh38, chr7:142,876,747, plus strand): 5'-TGTCCCTCACTCCCTGCAGCATCCCAGCTCCCCTCCCCATCTCAGCTCTTACCCAGGGAG[T>TCAGCTTAC]CCTGGGCCCGGATGTCAGCTCCATGCTCAATGAGCAGCCGCACGATCTCCTCACTGTTCA-3'

ClinVar aggregate classification (germline): Pathogenic (1 of 4 stars; one submission).

Submission:

Labcorp Genetics (formerly Invitae), Labcorp
Classification: Pathogenic. Last evaluated: 2024-05-07. Review status: criteria provided, single submitter. Criteria: Invitae Variant Classification Sherloc (09022015). Collection method: clinical testing. Allele origin: germline.
Comment: This sequence change creates a premature translational stop signal (p.Asp233Glyfs*65) in the TRPV6 gene. It is expected to result in an absent or disrupted protein product. Loss-of-function variants in TRPV6 are known to be pathogenic (PMID: 29861107, 30144375). This variant is not present in population databases (gnomAD no frequency). This variant has not been reported in the literature in individuals affected with TRPV6-related conditions. Algorithms developed to predict the effect of sequence changes on RNA splicing suggest that this variant may disrupt the consensus splice site. For these reasons, this variant has been classified as Pathogenic.

Literature cited by the submitters: PubMed 29861107; PubMed 30144375.